The following is an entry in ClinVar:

NM_021100.5(NFS1):c.94C>T (p.Arg32Cys)

Gene: NFS1 (NFS1 cysteine desulfurase; minus strand). Cytogenetic location: 20q11.22.
Variant type: single nucleotide variant.
Coding change: c.94C>T on transcript NM_021100.5 (MANE Select); coding-DNA position 94, C replaced by T.
Protein change: p.Arg32Cys; replaces arginine 32 with cysteine.
Molecular consequence: missense variant. On other transcripts: non-coding transcript variant (1).
Genome position (GRCh38, 1-based): chr20:35,699,195, G>A on the plus strand (C>T on the coding strand, the complement: NFS1 is on the minus strand). VCF-style: chr20-35699195-G-A. GRCh37 (hg19) VCF-style: chr20-34287117-G-A.
Other names: c.94C>T, p.Arg32Cys (NM_001198989.2); short protein forms R32C.
Identifiers: ClinVar variation 3622523 (VCV003622523.2).

ClinVar aggregate classification (germline): Uncertain significance (1 of 4 stars; one submission).

gnomAD v4.1: 157 of 1,411,256 alleles (0.011%); highest among the groups gnomAD compares: Non-Finnish European, 0.014%; no homozygotes.

Submission:

Labcorp Genetics (formerly Invitae), Labcorp
Classification: Uncertain significance. Last evaluated: 2024-03-01. Review status: criteria provided, single submitter. Criteria: Invitae Variant Classification Sherloc (09022015). Collection method: clinical testing. Allele origin: germline.
Comment: This sequence change replaces arginine, which is basic and polar, with cysteine, which is neutral and slightly polar, at codon 32 of the NFS1 protein (p.Arg32Cys). The frequency data for this variant in the population databases is considered unreliable, as metrics indicate poor data quality at this position in the gnomAD database. This variant has not been reported in the literature in individuals affected with NFS1-related conditions. An algorithm developed to predict the effect of missense changes on protein structure and function (PolyPhen-2) suggests that this variant is likely to be disruptive. In summary, the available evidence is currently insufficient to determine the role of this variant in disease. Therefore, it has been classified as a Variant of Uncertain Significance.